The following is an entry in ClinVar:

NM_170707.4(LMNA):c.16C>T (p.Gln6Ter)

Genes: LMNA (lamin A/C; plus strand), LOC129931597 (ATAC-STARR-seq lymphoblastoid silent region 1421; plus strand). Cytogenetic location: 1q22.
Variant type: single nucleotide variant.
Coding change: c.16C>T on transcript NM_170707.4 (MANE Select); coding-DNA position 16, C replaced by T.
Protein change: p.Gln6Ter; replaces glutamine 6 with a stop codon.
Molecular consequence: nonsense.
Genome position (GRCh38, 1-based): chr1:156,114,934, C>T. VCF-style: chr1-156114934-C-T. GRCh37 (hg19) VCF-style: chr1-156084725-C-T.
Other names: c.16C>T, p.Gln6Ter (NM_001282625.2, NM_001282626.2, NM_005572.4 and 1 more transcripts); short protein forms Q6*.
Identifiers: ClinVar variation 14477 (VCV000014477.9), dbSNP rs61046466, ClinGen allele CA017675.

ClinVar aggregate classification (germline): Pathogenic. Review status: criteria provided, single submitter (1 of 4 stars). 4 submissions from 4 submitters: Pathogenic (1). 3 of the submissions do not count toward it. Last evaluated 2011-06-02.

Conditions:
Emery-Dreifuss muscular dystrophy 2, autosomal dominant (EDMD2). Also called: SCAPULOILIOPERONEAL ATROPHY WITH CARDIOPATHY; Benign scapuloperoneal muscular dystrophy with cardiomyopathy; LMNA-Related Emery-Dreifuss Muscular Dystrophy, Autosomal; HAUPTMANN-THANNHAUSER MUSCULAR DYSTROPHY; MUSCULAR DYSTROPHY WITH EARLY CONTRACTURES AND CARDIOMYOPATHY, AUTOSOMAL DOMINANT; Limb-girdle muscular dystrophy, type 1B. Identifiers: Orphanet 261, Orphanet 264, MedGen C0410190, MONDO:0021569, OMIM 181350.
Primary dilated cardiomyopathy (DCM). Also called: Dilated Cardiomyopathy. Identifiers: Orphanet 217604, MedGen C0007193, MeSH D002311, MONDO:0005021, HP:0001644. Inheritance: Various modes of inheritance.

Submissions (4):

Laboratory for Molecular Medicine, Mass General Brigham Personalized Medicine
Classification: Pathogenic for Primary dilated cardiomyopathy. Last evaluated: 2011-06-02. Review status: criteria provided, single submitter. Criteria: LMM Criteria. Collection method: clinical testing. Allele origin: germline. Observed: 1 variant allele.
Comment: The Gln6X variant has been reported in one large family with Emery-Dreifuss musc ular dystrophy. It segregated with disease in 17 affected members and was absent from 300 control chromosomes. Of note, the majority of individuals presented wi th cardiomyopathy only (Becane 2000, Bonne 1999). This variant leads to a prema ture stop at codon 6 and is predicted to lead to a truncated or absent protein, which is consistent with protein expression studies (Becane 2000). In summary, this variant meets our criteria for pathogenicity based upon the severity of the change, segregation studies and absence from co ntrol chromosomes.

OMIM
Classification: Pathogenic for EMERY-DREIFUSS MUSCULAR DYSTROPHY 2, AUTOSOMAL DOMINANT. Last evaluated: 1999-03-01. Review status: no assertion criteria provided. Collection method: literature only. Allele origin: germline. Not counted in ClinVar's aggregate classification.

Epithelial Biology;  Institute of Medical Biology, Singapore
No classification provided. Review status: no classification provided. Collection method: not provided. Allele origin: not provided. Not counted in ClinVar's aggregate classification.

GeneReviews
No classification provided. Condition: Emery-Dreifuss muscular dystrophy 2, autosomal dominant. Review status: no classification provided. Collection method: literature only. Allele origin: unknown. Not counted in ClinVar's aggregate classification.

Literature cited by the submitters: PubMed 10080180 (cited by 3 submitters); PubMed 11138304 (cited by Laboratory for Molecular Medicine, Mass General Brigham Personalized Medicine); PubMed 20301717 (cited by GeneReviews); NCBI Bookshelf NBK1674 (cited by GeneReviews).